The following is an entry in ClinVar:

ClinVar aggregate classification (germline): Uncertain significance (1 of 4 stars; one submission).

Conditions:
Neuronal ceroid lipofuscinosis 7 (CLN7). Also called: MFSD8-Related Neuronal Ceroid-Lipofuscinosis. Identifiers: Orphanet 168491, Orphanet 228366, MedGen C1838571, MONDO:0012588, OMIM 610951.

Allele frequency attached by ClinVar (database versions not stated): ExAC 0.00001.
gnomAD v4.1: 4 of 1,613,480 alleles (0.00025%); highest among the groups gnomAD compares: Non-Finnish European, 0.00034%; no homozygotes.

Submission:

Labcorp Genetics (formerly Invitae), Labcorp
Classification: Uncertain significance for Neuronal ceroid lipofuscinosis 7. Last evaluated: 2022-02-08. Review status: criteria provided, single submitter. Criteria: Invitae Variant Classification Sherloc (09022015). Collection method: clinical testing. Allele origin: germline.
Comment: This sequence change replaces alanine, which is neutral and non-polar, with aspartic acid, which is acidic and polar, at codon 315 of the MFSD8 protein (p.Ala315Asp). This variant is present in population databases (rs767331120, gnomAD 0.0009%). This variant has not been reported in the literature in individuals affected with MFSD8-related conditions. Algorithms developed to predict the effect of missense changes on protein structure and function are either unavailable or do not agree on the potential impact of this missense change (SIFT: "Tolerated"; PolyPhen-2: "Possibly Damaging"; Align-GVGD: "Class C0"). In summary, the available evidence is currently insufficient to determine the role of this variant in disease. Therefore, it has been classified as a Variant of Uncertain Significance.

NM_001371596.2(MFSD8):c.944C>A (p.Ala315Asp)

Gene: MFSD8 (major facilitator superfamily domain containing 8; minus strand). Cytogenetic location: 4q28.2.
Variant type: single nucleotide variant.
Coding change: c.944C>A on transcript NM_001371596.2 (MANE Select); coding-DNA position 944, C replaced by A.
Protein change: p.Ala315Asp; replaces alanine 315 with aspartic acid.
Molecular consequence: missense variant.
Genome position (GRCh38, 1-based): chr4:127,930,737, G>T on the plus strand (C>A on the coding strand, the complement: MFSD8 is on the minus strand). VCF-style: chr4-127930737-G-T. GRCh37 (hg19) VCF-style: chr4-128851892-G-T.
Other names: c.743C>A, p.Ala248Asp (NM_001363520.3); c.629C>A, p.Ala210Asp (NM_001363521.3); c.809C>A, p.Ala270Asp (NM_001371590.2); c.944C>A, p.Ala315Asp (NM_001371591.2, NM_152778.4); c.950C>A, p.Ala317Asp (NM_001371592.2); c.830C>A, p.Ala277Asp (NM_001371593.2, NM_001410766.1); c.797C>A, p.Ala266Asp (NM_001371594.2); c.662C>A, p.Ala221Asp (NM_001371595.1); and 1 more; short protein forms A221D, A270D, A315D, A210D, A248D, A266D, A277D, A317D.
Identifiers: ClinVar variation 1361591 (VCV001361591.4), dbSNP rs767331120, ClinGen allele CA3077334.